The following is an entry in ClinVar:

NM_001039660.2(IL18BP):c.28+1G>C

Gene: IL18BP (interleukin 18 binding protein; plus strand). Cytogenetic location: 11q13.4.
Variant type: single nucleotide variant.
Coding change: c.28+1G>C on transcript NM_001039660.2 (MANE Select); the canonical splice donor site of the intron after coding-DNA position 28, G replaced by C.
Molecular consequence: splice donor variant.
Genome position (GRCh38, 1-based): chr11:72,000,013, G>C. VCF-style: chr11-72000013-G-C. GRCh37 (hg19) VCF-style: chr11-71711059-G-C.
Other names: c.28+1G>C (NM_001039659.2, NM_173044.3, NM_005699.3 and 3 more transcripts).
Identifiers: ClinVar variation 3683396 (VCV003683396.2).

ClinVar aggregate classification (germline): Uncertain significance (1 of 4 stars; one submission).

gnomAD v4.1: 3 of 1,613,792 alleles (0.00019%); highest among the groups gnomAD compares: African/African-American, 0.004%; no homozygotes.

Submission:

Labcorp Genetics (formerly Invitae), Labcorp
Classification: Uncertain significance. Last evaluated: 2024-10-03. Review status: criteria provided, single submitter. Criteria: Invitae Variant Classification Sherloc (09022015). Collection method: clinical testing. Allele origin: germline.
Comment: This sequence change affects a donor splice site in intron 1 of the IL18BP gene. It is expected to disrupt RNA splicing. Variants that disrupt the donor or acceptor splice site typically lead to a loss of protein function (PMID: 16199547), however the current clinical and genetic evidence is not sufficient to establish whether loss-of-function variants in IL18BP cause disease. This variant is not present in population databases (gnomAD no frequency). This variant has not been reported in the literature in individuals affected with IL18BP-related conditions. Algorithms developed to predict the effect of sequence changes on RNA splicing suggest that this variant may disrupt the consensus splice site. In summary, the available evidence is currently insufficient to determine the role of this variant in disease. Therefore, it has been classified as a Variant of Uncertain Significance.

Literature cited by the submitters: PubMed 16199547.